The following is an entry in ClinVar:

ClinVar aggregate classification (germline): Pathogenic/Likely pathogenic. Review status: criteria provided, multiple submitters, no conflicts (2 of 4 stars). 4 submissions from 4 submitters: Pathogenic (2); Likely pathogenic (1). 1 of the submissions does not count toward it. Last evaluated 2026-01-11.

Conditions:
Neuronal ceroid lipofuscinosis 2. Also called: TPP1-Related Neuronal Ceroid-Lipofuscinosis; JANSKY-BIELSCHOWSKY DISEASE NEURONAL CEROID LIPOFUSCINOSIS, LATE INFANTILE. Identifiers: Orphanet 168491, Orphanet 228349, Orphanet 79264, MedGen C1876161, MONDO:0008769, OMIM 204500.

Submissions (4):

Labcorp Genetics (formerly Invitae), Labcorp
Classification: Pathogenic. Last evaluated: 2026-01-11. Review status: criteria provided, single submitter. Criteria: Invitae Variant Classification Sherloc (09022015). Collection method: clinical testing. Allele origin: germline.
Comment: This sequence change affects an acceptor splice site in intron 5 of the TPP1 gene. It is expected to disrupt RNA splicing. Variants that disrupt the donor or acceptor splice site typically lead to a loss of protein function (PMID: 16199547), and loss-of-function variants in TPP1 are known to be pathogenic (PMID: 10330339). This variant is not present in population databases (gnomAD no frequency). Disruption of this splice site has been observed in individuals with neuronal ceroid lipofuscinosis (PMID: 10330339). ClinVar contains an entry for this variant (Variation ID: 280202). Algorithms developed to predict the effect of sequence changes on RNA splicing suggest that this variant may disrupt the consensus splice site. For these reasons, this variant has been classified as Pathogenic.

Revvity Omics, Revvity
Classification: Likely pathogenic. Last evaluated: 2023-06-01. Review status: criteria provided, single submitter. Criteria: ACMG Guidelines, 2015. Collection method: clinical testing. Allele origin: germline.

GeneDx
Classification: Pathogenic. Last evaluated: 2015-12-31. Review status: criteria provided, single submitter. Criteria: GeneDx Variant Classification (06012015). Collection method: clinical testing. Allele origin: germline. Affected: yes.
Comment: The c.509-1 G>T pathogenic variant was not observed in approximately 6,500 individuals of European and African American ancestry in the NHLBI Exome Sequencing Project, indicating it is not a common benign variant in these populations. The c.509-1 G>T splice site variant in the TPP1 gene destroys the canonical splice acceptor site in intron 5. It is predicted to cause abnormal gene splicing, either leading to an abnormal message that is subject to nonsense-mediated mRNA decay, or to an abnormal protein product if the message is used for protein translation. Additionally, variants at the same canonical splice acceptor site have been reported in Human Gene Mutation Database in association with late-infantile neuronal ceroid lipofuscinosis (Stenson et al., 2014). Therefore, c.509-1 G>T is considered to be a pathogenic variant.

Counsyl
Classification: Likely pathogenic for Neuronal ceroid lipofuscinosis 2. Last evaluated: 2017-04-06. Review status: no assertion criteria provided. Collection method: clinical testing. Allele origin: unknown. Not counted in ClinVar's aggregate classification.

Literature cited by the submitters: PubMed 16199547 (cited by Labcorp Genetics (formerly Invitae), Labcorp); PubMed 10330339 (cited by Labcorp Genetics (formerly Invitae), Labcorp).

NM_000391.4(TPP1):c.509-1G>T

Gene: TPP1 (tripeptidyl peptidase 1; minus strand). Cytogenetic location: 11p15.4.
Variant type: single nucleotide variant.
Coding change: c.509-1G>T on transcript NM_000391.4 (MANE Select); the canonical splice acceptor site of the intron before coding-DNA position 509, G replaced by T.
Molecular consequence: splice acceptor variant.
Genome position (GRCh38, 1-based): chr11:6,617,154, C>A on the plus strand (G>T on the coding strand, the complement: TPP1 is on the minus strand). VCF-style: chr11-6617154-C-A. GRCh37 (hg19) VCF-style: chr11-6638385-C-A.
Identifiers: ClinVar variation 280202 (VCV000280202.13), dbSNP rs56144125, ClinGen allele CA10603269.
Genomic context (GRCh38, chr11:6,617,154, plus strand): 5'-CCTGCGGCTCAGGACGTTGCCTCAGGGATGATGTTGGGGGAAAACGGTGCAGTCCCCCCA[C>A]TGTAGGGAGAAGTCAGGCTTGAGGAGATCTTATAGACTGTAATGCCCACCTTACAACTCA-3'